The following is an entry in ClinVar:

ClinVar aggregate classification (germline): Likely pathogenic (1 of 4 stars; one submission).

Conditions:
Tay-Sachs disease (TSD). Also called: HEXA DEFICIENCY; HEXA Disorders; GM2 gangliosidosis, type 1; Hexosaminidase alpha-subunit deficiency (variant B); Sphingolipidosis, Tay-Sachs; Hexosaminidase A Deficiency. Identifiers: Orphanet 845, MedGen C0039373, MONDO:0010100, OMIM 272800.

Submission:

Natera, Inc.
Classification: Likely pathogenic for Tay-Sachs disease. Last evaluated: 2026-01-16. Review status: criteria provided, single submitter. Criteria: Natera Variant Classification Schema (03/2026). Collection method: clinical testing. Allele origin: germline.
Comment: The c.1451T>C variant in HEXA is a missense variant predicted to cause substitution of leucine to proline at amino acid 484. This variant is rare in the general population with a frequency below the threshold expected for the associated phenotype(s). This variant has been observed in one or more individuals affected with the associated recessive disease, as either homozygous or compound heterozygous with a second variant (PMID: 22789865, 7837766). Functional studies show that this variant may disrupt protein function (PMID: 7837766). Computational prediction algorithms indicate this variant is likely to affect gene or protein function. Given the available evidence, this variant is classified as Likely Pathogenic.

Literature cited by the submitters: PubMed 22789865; PubMed 7837766.

NM_000520.6(HEXA):c.1451T>C (p.Leu484Pro)

Gene: HEXA (hexosaminidase subunit alpha; minus strand). Cytogenetic location: 15q23.
Variant type: single nucleotide variant.
Coding change: c.1451T>C on transcript NM_000520.6 (MANE Select); coding-DNA position 1451, T replaced by C.
Protein change: p.Leu484Pro; replaces leucine 484 with proline.
Molecular consequence: missense variant. On other transcripts: non-coding transcript variant (1).
Genome position (GRCh38, 1-based): chr15:72,345,521, A>G on the plus strand (T>C on the coding strand, the complement: HEXA is on the minus strand). VCF-style: chr15-72345521-A-G. GRCh37 (hg19) VCF-style: chr15-72637862-A-G.
Other names: c.1484T>C, p.Leu495Pro (NM_001318825.2); short protein forms L484P, L495P.
Identifiers: ClinVar variation 4818722 (VCV004818722.1).